The following is an entry in ClinVar:

ClinVar aggregate classification (germline): Uncertain significance (1 of 4 stars; one submission).

Submission:

GeneDx
Classification: Uncertain significance. Last evaluated: 2019-08-21. Review status: criteria provided, single submitter. Criteria: GeneDx Variant Classification Process June 2021. Collection method: clinical testing. Allele origin: germline. Affected: yes.
Comment: Has not been previously published as pathogenic or benign to our knowledge; Not observed in large population cohorts (Lek et al., 2016); In silico analysis, which includes protein predictors and evolutionary conservation, supports a deleterious effect

NM_130837.3(OPA1):c.1639C>A (p.Pro547Thr)

Gene: OPA1 (OPA1 mitochondrial dynamin like GTPase; plus strand). Cytogenetic location: 3q29.
Variant type: single nucleotide variant.
Coding change: c.1639C>A on transcript NM_130837.3 (MANE Select); coding-DNA position 1639, C replaced by A.
Protein change: p.Pro547Thr; replaces proline 547 with threonine.
Molecular consequence: missense variant.
Genome position (GRCh38, 1-based): chr3:193,645,583, C>A. VCF-style: chr3-193645583-C-A. GRCh37 (hg19) VCF-style: chr3-193363372-C-A.
Other names: c.1105C>A, p.Pro369Thr (NM_001354663.2); c.1102C>A, p.Pro368Thr (NM_001354664.2); c.1474C>A, p.Pro492Thr (NM_015560.3); c.1366C>A, p.Pro456Thr (NM_130831.3); c.1420C>A, p.Pro474Thr (NM_130832.3); c.1477C>A, p.Pro493Thr (NM_130833.3); c.1528C>A, p.Pro510Thr (NM_130834.3); c.1531C>A, p.Pro511Thr (NM_130835.3); and 1 more; short protein forms P368T, P369T, P456T, P474T, P492T, P493T, P510T, P511T.
Identifiers: ClinVar variation 1318923 (VCV001318923.2), dbSNP rs2109057610, ClinGen allele CA355790055.